The following is an entry in ClinVar:

NM_000117.3(EMD):c.121_155del (p.Tyr41fs)

Gene: EMD (emerin; plus strand). Cytogenetic location: Xq28.
Variant type: Deletion.
Coding change: c.121_155del on transcript NM_000117.3 (MANE Select); coding-DNA positions 121 to 155, 35 bases deleted.
Protein change: p.Tyr41fs; shifts the reading frame from tyrosine 41.
Molecular consequence: frameshift variant.
Genome position (GRCh38, 1-based): chrX:154,379,728-154,379,762, 35 bases deleted; deleting any 35 consecutive bases within chrX:154,379,726-154,379,762 gives the same sequence; the c. name uses the placement nearest the transcript's 3' end. GRCh37 (hg19): chrX:153,608,088-153,608,122.
Other names: c.121_155del35 (NM_000117.2); short protein forms Y41fs.
Identifiers: ClinVar variation 433167 (VCV000433167.5), dbSNP rs1557182286, ClinGen allele CA645372696.

ClinVar aggregate classification (germline): Pathogenic. Review status: criteria provided, multiple submitters, no conflicts (2 of 4 stars). 2 submissions from 2 submitters: Pathogenic (2). Last evaluated 2024-11-27.

Conditions:
X-linked Emery-Dreifuss muscular dystrophy. Also called: Muscular dystrophy, tardive Emery-Dreifuss type, with contractures. Identifiers: Orphanet 261, Orphanet 98863, MedGen C0751337, MONDO:0010680.

Submissions (2):

Labcorp Genetics (formerly Invitae), Labcorp
Classification: Pathogenic for X-linked Emery-Dreifuss muscular dystrophy. Last evaluated: 2024-11-27. Review status: criteria provided, single submitter. Criteria: Invitae Variant Classification Sherloc (09022015). Collection method: clinical testing. Allele origin: germline.
Comment: This sequence change creates a premature translational stop signal (p.Tyr41Leufs*8) in the EMD gene. It is expected to result in an absent or disrupted protein product. Loss-of-function variants in EMD are known to be pathogenic (PMID: 24365856). This variant is not present in population databases (gnomAD no frequency). This variant has not been reported in the literature in individuals affected with EMD-related conditions. ClinVar contains an entry for this variant (Variation ID: 433167). For these reasons, this variant has been classified as Pathogenic.

Molecular Diagnostics Lab, Nemours Children's Health, Delaware
Classification: Pathogenic. Last evaluated: 2016-07-13. Review status: criteria provided, single submitter. Criteria: ACMG Guidelines, 2015. Collection method: clinical testing. Allele origin: unknown. Affected: yes. Observed: 1 heterozygote, 1 hemizygote.

Literature cited by the submitters: PubMed 24365856 (cited by Labcorp Genetics (formerly Invitae), Labcorp).